The following is an entry in ClinVar:

ClinVar aggregate classification (germline): Uncertain significance. Review status: criteria provided, multiple submitters, no conflicts (2 of 4 stars). 2 submissions from 2 submitters: Uncertain significance (2). Last evaluated 2026-07-27.

Conditions:
Hereditary nonpolyposis colorectal neoplasms. Identifiers: MedGen C0009405, MeSH D003123.
Hereditary cancer-predisposing syndrome. Also called: Tumor predisposition; Hereditary neoplastic syndrome; Neoplastic Syndromes, Hereditary; Hereditary Cancer Syndrome. Identifiers: Orphanet 140162, MedGen C0027672, MeSH D009386, MONDO:0015356.

Submissions (2):

Ambry Genetics
Classification: Uncertain significance for Hereditary cancer-predisposing syndrome. Last evaluated: 2026-07-27. Review status: criteria provided, single submitter. Criteria: Ambry Variant Classification Scheme 2023. Collection method: clinical testing. Allele origin: germline.
Comment: The p.Y538S variant (also known as c.1613A>C), located in coding exon 4 of the MSH6 gene, results from an A to C substitution at nucleotide position 1613. The tyrosine at codon 538 is replaced by serine, an amino acid with dissimilar properties. This amino acid position is not well conserved in available vertebrate species. In addition, this alteration is predicted to be deleterious by in silico analysis. Based on the available evidence, the clinical significance of this variant remains unclear.

Labcorp Genetics (formerly Invitae), Labcorp
Classification: Uncertain significance for Hereditary nonpolyposis colorectal neoplasms. Last evaluated: 2025-04-14. Review status: criteria provided, single submitter. Criteria: Invitae Variant Classification Sherloc (09022015). Collection method: clinical testing. Allele origin: germline.
Comment: This sequence change replaces tyrosine, which is neutral and polar, with serine, which is neutral and polar, at codon 538 of the MSH6 protein (p.Tyr538Ser). This variant is not present in population databases (gnomAD no frequency). This variant has not been reported in the literature in individuals affected with MSH6-related conditions. ClinVar contains an entry for this variant (Variation ID: 857871). An algorithm developed specifically for the MSH6 gene suggests that this missense change is likely to be deleterious (PMID: 23621914). In summary, the available evidence is currently insufficient to determine the role of this variant in disease. Therefore, it has been classified as a Variant of Uncertain Significance.

Literature cited by the submitters: PubMed 23621914 (cited by Labcorp Genetics (formerly Invitae), Labcorp).

NM_000179.3(MSH6):c.1613A>C (p.Tyr538Ser)

Gene: MSH6 (mutS homolog 6; plus strand). Cytogenetic location: 2p16.3.
Variant type: single nucleotide variant.
Coding change: c.1613A>C on transcript NM_000179.3 (MANE Select); coding-DNA position 1613, A replaced by C.
Protein change: p.Tyr538Ser; replaces tyrosine 538 with serine.
Molecular consequence: missense variant.
Genome position (GRCh38, 1-based): chr2:47,799,596, A>C. VCF-style: chr2-47799596-A-C. GRCh37 (hg19) VCF-style: chr2-48026735-A-C.
Other names: c.1223A>C, p.Tyr408Ser (NM_001281492.2); c.707A>C, p.Tyr236Ser (NM_001281493.2, NM_001281494.2); short protein forms Y236S, Y538S, Y408S.
Identifiers: ClinVar variation 857871 (VCV000857871.11), dbSNP rs728619, ClinGen allele CA46708446.